The following is an entry in ClinVar:

NM_007294.4(BRCA1):c.668A>G (p.Lys223Arg)

Gene: BRCA1 (BRCA1 DNA repair associated; minus strand). Cytogenetic location: 17q21.31.
Variant type: single nucleotide variant.
Coding change: c.668A>G on transcript NM_007294.4 (MANE Select); coding-DNA position 668, A replaced by G.
Protein change: p.Lys223Arg; replaces lysine 223 with arginine.
Molecular consequence: missense variant. On other transcripts: non-coding transcript variant (1).
Genome position (GRCh38, 1-based): chr17:43,095,848, T>C on the plus strand (A>G on the coding strand, the complement: BRCA1 is on the minus strand). VCF-style: chr17-43095848-T-C. GRCh37 (hg19) VCF-style: chr17-41247865-T-C.
Other names: c.455A>G, p.Lys152Arg (NM_001407571.1, NM_001407853.1, NM_001407894.1 and 12 more transcripts); c.668A>G, p.Lys223Arg (NM_001407581.1, NM_001407582.1, NM_001407583.1 and 59 more transcripts); c.665A>G, p.Lys222Arg (NM_001407587.1, NM_001407590.1, NM_001407591.1 and 41 more transcripts); c.659A>G, p.Lys220Arg (NM_001407646.1, NM_001407647.1, NM_001408408.1); c.590A>G, p.Lys197Arg (NM_001407653.1, NM_001407654.1, NM_001407655.1 and 9 more transcripts); c.587A>G, p.Lys196Arg (NM_001407659.1, NM_001407660.1, NM_001407661.1 and 3 more transcripts); c.527A>G, p.Lys176Arg (NM_001407692.1, NM_001407694.1, NM_001407695.1 and 43 more transcripts); c.524A>G, p.Lys175Arg (NM_001407740.1, NM_001407741.1, NM_001407742.1 and 26 more transcripts); and 4 more; short protein forms K223R, K176R, K152R, K178R, K196R, K220R, K96R, K175R.
Identifiers: ClinVar variation 55658 (VCV000055658.13), dbSNP rs397509306, ClinGen allele CA003788.

ClinVar aggregate classification (germline): Conflicting classifications of pathogenicity. Review status: criteria provided, conflicting classifications (1 of 4 stars). 5 submissions from 5 submitters: Uncertain significance (3); Likely benign (1). 1 of the submissions does not count toward it. Last evaluated 2024-05-14.

Conditions:
Breast-ovarian cancer, familial, susceptibility to, 1 (BROVCA1). Also called: BRCA1 Hereditary Breast and Ovarian Cancer; OVARIAN CANCER, SUSCEPTIBILITY TO. Identifiers: Orphanet 145, MedGen C2676676, MONDO:0011450, OMIM 604370. Disease mechanism: loss of function.
Familial cancer of breast. Also called: hereditary breast carcinoma; BREAST CANCER, FAMILIAL; Hereditary breast cancer. Identifiers: Orphanet 227535, MedGen C0346153, MONDO:0016419, OMIM 114480. Disease mechanism: loss of function.
Hereditary cancer-predisposing syndrome. Also called: Hereditary Cancer Syndrome; Hereditary neoplastic syndrome; Neoplastic Syndromes, Hereditary; Tumor predisposition. Identifiers: Orphanet 140162, MedGen C0027672, MeSH D009386, MONDO:0015356.
Hereditary breast ovarian cancer syndrome. Also called: BRCA1- and BRCA2-Associated Hereditary Breast and Ovarian Cancer; Hereditary breast and ovarian cancer syndrome; Hereditary breast and ovarian cancer syndrome (HBOC); Breast and ovarian cancer; Hereditary breast and/or ovarian cancer syndrome; Hereditary breast and ovarian cancer. Identifiers: Orphanet 145, MedGen C0677776, MeSH D061325, MONDO:0003582. Disease mechanism: loss of function.

Submissions (5):

Myriad Genetics, Inc.
Classification: Likely benign for Breast-ovarian cancer, familial, susceptibility to, 1. Last evaluated: 2024-05-14. Review status: criteria provided, single submitter. Criteria: Myriad Autosomal Dominant, Autosomal Recessive and X-Linked Classification Criteria (2023). Collection method: clinical testing. Allele origin: unknown.
Comment: This variant is considered likely benign. This variant been observed in trans with a known pathogenic variant in one or more individuals. Compound heterozygosity for pathogenic variants in this gene is generally assumed to result in embryonic lethality.

Ambry Genetics
Classification: Uncertain significance for Hereditary cancer-predisposing syndrome. Last evaluated: 2023-10-23. Review status: criteria provided, single submitter. Criteria: Ambry Variant Classification Scheme 2023. Collection method: clinical testing. Allele origin: germline.
Comment: The p.K223R variant (also known as c.668A>G), located in coding exon 8 of the BRCA1 gene, results from an A to G substitution at nucleotide position 668. The lysine at codon 223 is replaced by arginine, an amino acid with highly similar properties. This amino acid position is not well conserved in available vertebrate species. In addition, this alteration is predicted to be deleterious by in silico analysis. RNA studies have demonstrated that this alteration results in an incomplete splice defect (Wappenschmidt B et al. PLoS One, 2012 Dec;7:e50800; Ambry internal data); however this variant occurs in an exon that is absent in biologically relevant transcripts (Colombo M et al. Hum. Mol. Genet. 2014 Jul;23:3666-80) and the clinical impact of this abnormal splicing is unknown at this time. Since supporting evidence is limited at this time, the clinical significance of this alteration remains unclear.

Labcorp Genetics (formerly Invitae), Labcorp
Classification: Uncertain significance for Hereditary breast ovarian cancer syndrome. Last evaluated: 2023-07-31. Review status: criteria provided, single submitter. Criteria: Invitae Variant Classification Sherloc (09022015). Collection method: clinical testing. Allele origin: germline.
Comment: In summary, the available evidence is currently insufficient to determine the role of this variant in disease. Therefore, it has been classified as a Variant of Uncertain Significance. Studies have shown this missense change is associated with skipping of exon 9, but one or more of the resulting mRNA isoform(s) may be naturally occurring (PMID: 23239986). Algorithms developed to predict the effect of missense changes on protein structure and function output the following: SIFT: "Not Available"; PolyPhen-2: "Possibly Damaging"; Align-GVGD: "Not Available". The arginine amino acid residue is found in multiple mammalian species, which suggests that this missense change does not adversely affect protein function. ClinVar contains an entry for this variant (Variation ID: 55658). This missense change has been observed in individual(s) with breast cancer (PMID: 23239986). This variant is not present in population databases (gnomAD no frequency). This sequence change replaces lysine, which is basic and polar, with arginine, which is basic and polar, at codon 223 of the BRCA1 protein (p.Lys223Arg).

Color Diagnostics, LLC DBA Color Health
Classification: Uncertain significance for Hereditary cancer-predisposing syndrome. Last evaluated: 2022-02-16. Review status: criteria provided, single submitter. Criteria: ACMG Guidelines, 2015. Collection method: clinical testing. Allele origin: germline.
Comment: This missense variant replaces lysine with arginine at codon 223 of the BRCA1 protein. Computational prediction is inconclusive regarding the impact of this variant on protein structure and function (internally defined REVEL score threshold 0.5 < inconclusive < 0.7, PMID: 27666373). An RNA study has shown that this variant produces a transcript that results in exon 9 skipping, however, in an incomplete manner (PMID: 23239986). Additionally, there is a naturally-occurring BRCA1 mRNA transcript that lacks exons 8 and 9 that retains BRCA1 activity (PMID: 27008870). This variant has not been reported in individuals affected with hereditary cancer in the literature. This variant has not been identified in the general population by the Genome Aggregation Database (gnomAD). The available evidence is insufficient to determine the role of this variant in disease conclusively. Therefore, this variant is classified as a Variant of Uncertain Significance.

ClinVar Staff, National Center for Biotechnology Information (NCBI)
No classification provided. Condition: Familial cancer of breast. Review status: no classification provided. Collection method: literature only. Allele origin: germline. Affected: yes. Not counted in ClinVar's aggregate classification.

Literature cited by the submitters: PubMed 23239986 (cited by 4 submitters); PubMed 29750258 (cited by Ambry Genetics); PubMed 27008870 (cited by Color Diagnostics, LLC DBA Color Health).